The following is an entry in ClinVar:

NM_005450.6(NOG):c.343G>A (p.Ala115Thr)

Gene: NOG (noggin; plus strand). Cytogenetic location: 17q22.
Variant type: single nucleotide variant.
Coding change: c.343G>A on transcript NM_005450.6 (MANE Select); coding-DNA position 343, G replaced by A.
Protein change: p.Ala115Thr; replaces alanine 115 with threonine.
Molecular consequence: missense variant.
Genome position (GRCh38, 1-based): chr17:56,594,566, G>A. VCF-style: chr17-56594566-G-A. GRCh37 (hg19) VCF-style: chr17-54671927-G-A.
Other names: short protein forms A115T.
Identifiers: ClinVar variation 2890161 (VCV002890161.3), dbSNP rs779513643, ClinGen allele CA399965788.

ClinVar aggregate classification (germline): Uncertain significance (1 of 4 stars; one submission).

Submission:

Labcorp Genetics (formerly Invitae), Labcorp
Classification: Uncertain significance. Last evaluated: 2023-12-31. Review status: criteria provided, single submitter. Criteria: Invitae Variant Classification Sherloc (09022015). Collection method: clinical testing. Allele origin: germline.
Comment: This sequence change replaces alanine, which is neutral and non-polar, with threonine, which is neutral and polar, at codon 115 of the NOG protein (p.Ala115Thr). This variant is present in population databases (no rsID available, gnomAD 0.003%). This variant has not been reported in the literature in individuals affected with NOG-related conditions. An algorithm developed to predict the effect of missense changes on protein structure and function (PolyPhen-2) suggests that this variant is likely to be tolerated. In summary, the available evidence is currently insufficient to determine the role of this variant in disease. Therefore, it has been classified as a Variant of Uncertain Significance.